The following is an entry in ClinVar:

NM_020433.5(JPH2):c.787A>T (p.Thr263Ser)

Gene: JPH2 (junctophilin 2; minus strand). Cytogenetic location: 20q13.12.
Variant type: single nucleotide variant.
Coding change: c.787A>T on transcript NM_020433.5 (MANE Select); coding-DNA position 787, A replaced by T.
Protein change: p.Thr263Ser; replaces threonine 263 with serine.
Molecular consequence: missense variant.
Genome position (GRCh38, 1-based): chr20:44,160,000, T>A on the plus strand (A>T on the coding strand, the complement: JPH2 is on the minus strand). VCF-style: chr20-44160000-T-A. GRCh37 (hg19) VCF-style: chr20-42788640-T-A.
Other names: short protein forms T263S.
Identifiers: ClinVar variation 4843087 (VCV004843087.1).

ClinVar aggregate classification (germline): Uncertain significance (1 of 4 stars; one submission).

Conditions:
Cardiovascular phenotype. Identifiers: MedGen CN230736.

Submission:

Ambry Genetics
Classification: Uncertain significance for Cardiovascular phenotype. Last evaluated: 2025-12-19. Review status: criteria provided, single submitter. Criteria: Ambry Variant Classification Scheme 2023. Collection method: clinical testing. Allele origin: germline.
Comment: The p.T263S variant (also known as c.787A>T), located in coding exon 2 of the JPH2 gene, results from an A to T substitution at nucleotide position 787. The threonine at codon 263 is replaced by serine, an amino acid with similar properties. This amino acid position is conserved. In addition, this alteration is predicted to be tolerated by in silico analysis. Based on the available evidence, the clinical significance of this variant remains unclear.